The following is an entry in ClinVar:

NM_001165963.4(SCN1A):c.1029-2A>C

Gene: SCN1A (sodium voltage-gated channel alpha subunit 1; minus strand). Cytogenetic location: 2q24.3.
Variant type: single nucleotide variant.
Coding change: c.1029-2A>C on transcript NM_001165963.4 (MANE Select); the canonical splice acceptor site of the intron before coding-DNA position 1029, A replaced by C.
Molecular consequence: splice acceptor variant.
Genome position (GRCh38, 1-based): chr2:166,047,770, T>G on the plus strand (A>C on the coding strand, the complement: SCN1A is on the minus strand). VCF-style: chr2-166047770-T-G. GRCh37 (hg19) VCF-style: chr2-166904280-T-G.
Other names: c.1029-2A>C (NM_001353949.2, NM_001353958.2, NM_001353950.2 and 10 more transcripts); c.-1397-2A>C (NM_001353961.2).
Identifiers: ClinVar variation 1770240 (VCV001770240.2), dbSNP rs2468190770, ClinGen allele CA349071487.

ClinVar aggregate classification (germline): Likely pathogenic (1 of 4 stars; one submission).

Conditions:
Inborn genetic diseases. Identifiers: MedGen C0950123, MeSH D030342.

Submission:

Ambry Genetics
Classification: Likely pathogenic for Inborn genetic diseases. Last evaluated: 2020-12-11. Review status: criteria provided, single submitter. Criteria: Ambry Variant Classification Scheme 2023. Collection method: clinical testing. Allele origin: germline.
Comment: The c.1029-2A>C intronic variant results from an A to C substitution two nucleotide(s) before exon 8 (coding exon 8) of the SCN1A gene. In addition to the clinical data presented in the literature, alterations that disrupt the canonical splice site are expected to cause aberrant splicing, resulting in an abnormal protein or a transcript that is subject to nonsense-mediated mRNA decay. This variant was detected as a de novo occurrence in an individual with Dravet syndrome; however, specific clinical information was not provided (Della Mina, 2015). In silico splice site analysis predicts that this alteration will weaken the native splice acceptor site. Based on the available evidence, this alteration is classified as likely pathogenic.

Literature cited by the submitters: PubMed 24848745.